The following is an entry in ClinVar:

ClinVar aggregate classification (germline): Uncertain significance (1 of 4 stars; one submission).

Conditions:
Familial hypobetalipoproteinemia 1. Also called: APOB-Related Familial Hypobetalipoproteinemia; Hypobetalipoproteinemia, normotriglyceridemic; Acanthocytosis with hypobetalipoproteinemia. Identifiers: MedGen C4551990, MONDO:0014252, OMIM 615558.
Hypercholesterolemia, autosomal dominant, type B (FHCL2). Also called: Familial Hypercholesterolemia Type B; APOLIPOPROTEIN B-100, FAMILIAL DEFECTIVE; APOLIPOPROTEIN B-100, FAMILIAL LIGAND-DEFECTIVE; HYPERCHOLESTEROLEMIA, FAMILIAL, DUE TO LIGAND-DEFECTIVE APOLIPOPROTEIN B; Familial hypercholesterolemia 2; Hyperlipoproteinemia Type IIb. Identifiers: MedGen C1704417, MONDO:0007751, OMIM 144010.

Submission:

Labcorp Genetics (formerly Invitae), Labcorp
Classification: Uncertain significance for Familial hypobetalipoproteinemia 1; Hypercholesterolemia, autosomal dominant, type B. Last evaluated: 2021-10-20. Review status: criteria provided, single submitter. Criteria: Invitae Variant Classification Sherloc (09022015). Collection method: clinical testing. Allele origin: germline.
Comment: In summary, the available evidence is currently insufficient to determine the role of this variant in disease. Therefore, it has been classified as a Variant of Uncertain Significance. This sequence change replaces glutamine with arginine at codon 1065 of the APOB protein (p.Gln1065Arg). The glutamine residue is weakly conserved and there is a small physicochemical difference between glutamine and arginine. This variant is not present in population databases (ExAC no frequency). This variant has not been reported in the literature in individuals affected with APOB-related conditions. Algorithms developed to predict the effect of missense changes on protein structure and function are either unavailable or do not agree on the potential impact of this missense change (SIFT: "Tolerated"; PolyPhen-2: "Possibly Damaging"; Align-GVGD: "Class C0").

NM_000384.3(APOB):c.3194A>G (p.Gln1065Arg)

Gene: APOB (apolipoprotein B; minus strand). Cytogenetic location: 2p24.1.
Variant type: single nucleotide variant.
Coding change: c.3194A>G on transcript NM_000384.3 (MANE Select); coding-DNA position 3194, A replaced by G.
Protein change: p.Gln1065Arg; replaces glutamine 1065 with arginine.
Molecular consequence: missense variant.
Genome position (GRCh38, 1-based): chr2:21,016,577, T>C on the plus strand (A>G on the coding strand, the complement: APOB is on the minus strand). VCF-style: chr2-21016577-T-C. GRCh37 (hg19) VCF-style: chr2-21239449-T-C.
Other names: short protein forms Q1065R.
Identifiers: ClinVar variation 1419677 (VCV001419677.6), dbSNP rs2103364010, ClinGen allele CA346009620.
Genomic context (GRCh38, chr2:21,016,577, plus strand): 5'-TCAGTAGATTCATCATTAACTCTGAGGATTGTTCCGAGGTCAACATCAAAATCCGGAATT[T>C]GGACTTCACTGGACAAGGTCATACTCTGCCGATTATATTTGAATGTCATGGTAGCCTCAG-3'
Protein context (NP_000375.3, residues 1055-1075): RQSMTLSSEV[Gln1065Arg]IPDFDVDLGT